The following is an entry in ClinVar:

ClinVar aggregate classification (germline): Uncertain significance. Review status: criteria provided, multiple submitters, no conflicts (2 of 4 stars). 3 submissions from 3 submitters: Uncertain significance (3). Last evaluated 2026-01-10.

Conditions:
VPS13B-related disorder. Also called: VPS13B-related condition.
Cohen syndrome (COH1). Also called: Cutis verticis gyrata, retinitis pigmentosa, and sensorineural deafness; PEPPER SYNDROME. Identifiers: Orphanet 193, MedGen C0265223, MONDO:0008999, OMIM 216550.

Allele frequency attached by ClinVar (database versions not stated): gnomAD exomes below 0.00001; TOPMed below 0.00001.
gnomAD v4.1: 3 of 1,613,836 alleles (0.00019%); highest among the groups gnomAD compares: African/African-American, 0.0013%; no homozygotes.

Submissions (3):

PreventionGenetics, part of Exact Sciences
Classification: Uncertain significance for VPS13B-related condition. Last evaluated: 2026-01-10. Review status: criteria provided, single submitter. Criteria: ACMG Guidelines, 2015. Collection method: clinical testing. Allele origin: germline.
Comment: The VPS13B c.6067T>A variant is predicted to result in the amino acid substitution p.Ser2023Thr. To our knowledge, this variant has not been reported in the literature. This variant has been reported in one heterozygous individual within the ‘other’ subpopulation in gnomAD. At this time, the clinical significance of this variant is uncertain due to the absence of conclusive functional and genetic evidence.

Labcorp Genetics (formerly Invitae), Labcorp
Classification: Uncertain significance for Cohen syndrome. Last evaluated: 2022-12-02. Review status: criteria provided, single submitter. Criteria: Invitae Variant Classification Sherloc (09022015). Collection method: clinical testing. Allele origin: germline.
Comment: This sequence change replaces serine, which is neutral and polar, with threonine, which is neutral and polar, at codon 2048 of the VPS13B protein (p.Ser2048Thr). In summary, the available evidence is currently insufficient to determine the role of this variant in disease. Therefore, it has been classified as a Variant of Uncertain Significance. Advanced modeling of protein sequence and biophysical properties (such as structural, functional, and spatial information, amino acid conservation, physicochemical variation, residue mobility, and thermodynamic stability) performed at Invitae indicates that this missense variant is expected to disrupt VPS13B protein function. This variant has not been reported in the literature in individuals affected with VPS13B-related conditions. This variant is present in population databases (no rsID available, gnomAD no frequency).

GeneDx
Classification: Uncertain significance. Last evaluated: 2022-06-09. Review status: criteria provided, single submitter. Criteria: GeneDx Variant Classification Process June 2021. Collection method: clinical testing. Allele origin: germline. Affected: yes.
Comment: Not observed at significant frequency in large population cohorts (gnomAD); In silico analysis supports that this missense variant does not alter protein structure/function; Has not been previously published as pathogenic or benign to our knowledge

NM_152564.5(VPS13B):c.6067T>A (p.Ser2023Thr)

Gene: VPS13B (vacuolar protein sorting 13 homolog B; plus strand). Cytogenetic location: 8q22.2.
Variant type: single nucleotide variant.
Coding change: c.6067T>A on transcript NM_152564.5 (MANE Select); coding-DNA position 6067, T replaced by A.
Protein change: p.Ser2023Thr; replaces serine 2023 with threonine.
Molecular consequence: missense variant.
Genome position (GRCh38, 1-based): chr8:99,699,545, T>A. VCF-style: chr8-99699545-T-A. GRCh37 (hg19) VCF-style: chr8-100711773-T-A.
Other names: c.6142T>A, p.Ser2048Thr (NM_017890.5); short protein forms S2023T, S2048T.
Identifiers: ClinVar variation 1803605 (VCV001803605.4), dbSNP rs1437722924, ClinGen allele CA371873834.